The following is an entry in ClinVar:

NM_033159.4(HYAL1):c.1114C>T (p.Arg372Cys)

Gene: HYAL1 (hyaluronidase 1; minus strand). Cytogenetic location: 3p21.31.
Variant type: single nucleotide variant.
Coding change: c.1114C>T on transcript NM_033159.4 (MANE Select); coding-DNA position 1114, C replaced by T.
Protein change: p.Arg372Cys; replaces arginine 372 with cysteine.
Molecular consequence: missense variant. On other transcripts: non-coding transcript variant (1).
Genome position (GRCh38, 1-based): chr3:50,300,677, G>A on the plus strand (C>T on the coding strand, the complement: HYAL1 is on the minus strand). VCF-style: chr3-50300677-G-A. GRCh37 (hg19) VCF-style: chr3-50338108-G-A.
Other names: c.1114C>T, p.Arg372Cys (NM_153281.2); c.1024C>T, p.Arg342Cys (NM_153282.3); c.568C>T, p.Arg190Cys (NM_153283.3); c.337C>T, p.Arg113Cys (NM_153285.3); short protein forms R113C, R342C, R372C, R190C.
Identifiers: ClinVar variation 4977767 (VCV004977767.1).

ClinVar aggregate classification (germline): Uncertain significance (1 of 4 stars; one submission).

Conditions:
HYAL1-related disorder. Also called: HYAL1-related condition.

gnomAD v4.1: 33 of 1,613,754 alleles (0.002%); highest among the groups gnomAD compares: Admixed American, 0.012%; no homozygotes.

Submission:

PreventionGenetics, part of Exact Sciences
Classification: Uncertain significance for HYAL1-related condition. Last evaluated: 2026-01-11. Review status: criteria provided, single submitter. Criteria: ACMG Guidelines, 2015. Collection method: clinical testing. Allele origin: germline.
Comment: The HYAL1 c.1114C>T variant is predicted to result in the amino acid substitution p.Arg372Cys. To our knowledge, this variant has not been reported in the literature. This variant is reported in 0.011% of alleles in individuals of Latino descent in gnomAD. At this time, the clinical significance of this variant is uncertain due to the absence of conclusive functional and genetic evidence.